The following is an entry in ClinVar:

NM_000218.3(KCNQ1):c.1378G>T (p.Gly460Cys)

Gene: KCNQ1 (potassium voltage-gated channel subfamily Q member 1; plus strand). Cytogenetic location: 11p15.5.
Variant type: single nucleotide variant.
Coding change: c.1378G>T on transcript NM_000218.3 (MANE Select); coding-DNA position 1378, G replaced by T.
Protein change: p.Gly460Cys; replaces glycine 460 with cysteine.
Molecular consequence: missense variant.
Genome position (GRCh38, 1-based): chr11:2,588,839, G>T. VCF-style: chr11-2588839-G-T. GRCh37 (hg19) VCF-style: chr11-2610069-G-T.
Other names: c.1282G>T, p.Gly428Cys (NM_001406836.1); c.1108G>T, p.Gly370Cys (NM_001406837.1); c.838G>T, p.Gly280Cys (NM_001406838.1); c.997G>T, p.Gly333Cys (NM_181798.2); short protein forms G370C, G428C, G280C, G460C, G333C.
Identifiers: ClinVar variation 4738301 (VCV004738301.1).
Genomic context (GRCh38, chr11:2,588,839, plus strand): 5'-GTCCCCCATATCACGTGCGACCCCCCAGAAGAGCGGCGGCTGGACCACTTCTCTGTCGAC[G>T]GCTATGACAGTTCTGGTGAGAACCCCTCAGGCAGTTGGGGGCCGCGGGGCCGGGAAGGTC-3'
Protein context (NP_000209.2, residues 450-470): ERRLDHFSVD[Gly460Cys]YDSSVRKSPT

ClinVar aggregate classification (germline): Uncertain significance (1 of 4 stars; one submission).

Conditions:
Long QT syndrome (LQTS). Identifiers: MedGen C0023976, MeSH D008133, MONDO:0002442. Disease mechanism: loss of function. Inheritance: Various modes of inheritance.

gnomAD v4.1: 1 of 1,612,118 alleles (0.000062%); highest among the groups gnomAD compares: South Asian, 0.0011%; no homozygotes.

Submission:

Labcorp Genetics (formerly Invitae), Labcorp
Classification: Uncertain significance for Long QT syndrome. Last evaluated: 2025-10-02. Review status: criteria provided, single submitter. Criteria: Invitae Variant Classification Sherloc (09022015). Collection method: clinical testing. Allele origin: germline.
Comment: This sequence change replaces glycine, which is neutral and non-polar, with cysteine, which is neutral and slightly polar, at codon 460 of the KCNQ1 protein (p.Gly460Cys). The frequency data for this variant in the population databases is considered unreliable, as metrics indicate poor data quality at this position in the gnomAD database. This variant has not been reported in the literature in individuals affected with KCNQ1-related conditions. An algorithm developed to predict the effect of missense changes on protein structure and function outputs the following: PolyPhen-2: "Benign". The cysteine amino acid residue is found in multiple mammalian species, which suggests that this missense change does not adversely affect protein function. In summary, the available evidence is currently insufficient to determine the role of this variant in disease. Therefore, it has been classified as a Variant of Uncertain Significance.